The following is an entry in ClinVar:

ClinVar aggregate classification (germline): Uncertain significance (1 of 4 stars; one submission).

Conditions:
Hereditary cancer-predisposing syndrome. Also called: Hereditary neoplastic syndrome; Neoplastic Syndromes, Hereditary; Tumor predisposition; Hereditary Cancer Syndrome. Identifiers: Orphanet 140162, MedGen C0027672, MeSH D009386, MONDO:0015356.

Submission:

Ambry Genetics
Classification: Uncertain significance for Hereditary cancer-predisposing syndrome. Last evaluated: 2025-02-06. Review status: criteria provided, single submitter. Criteria: Ambry Variant Classification Scheme 2023. Collection method: clinical testing. Allele origin: germline.
Comment: The p.S495T variant (also known as c.1483T>A), located in coding exon 10 of the BRIP1 gene, results from a T to A substitution at nucleotide position 1483. The serine at codon 495 is replaced by threonine, an amino acid with similar properties. This amino acid position is conserved. In addition, this alteration is predicted to be tolerated by in silico analysis. Based on the available evidence, the clinical significance of this variant remains unclear.

NM_032043.3(BRIP1):c.1483T>A (p.Ser495Thr)

Gene: BRIP1 (BRCA1 interacting DNA helicase 1; minus strand). Cytogenetic location: 17q23.2.
Variant type: single nucleotide variant.
Coding change: c.1483T>A on transcript NM_032043.3 (MANE Select); coding-DNA position 1483, T replaced by A.
Protein change: p.Ser495Thr; replaces serine 495 with threonine.
Molecular consequence: missense variant.
Genome position (GRCh38, 1-based): chr17:61,784,415, A>T on the plus strand (T>A on the coding strand, the complement: BRIP1 is on the minus strand). VCF-style: chr17-61784415-A-T. GRCh37 (hg19) VCF-style: chr17-59861776-A-T.
Other names: short protein forms S495T.
Identifiers: ClinVar variation 3825687 (VCV003825687.1).
Genomic context (GRCh38, chr17:61,784,415, plus strand): 5'-CTCTTGCCTCCTCTTTACCATAAATTGGTGAGATTTTTTCCTCTTTTTGAAGAACAGCAG[A>T]AAAATGTCCCTATAAGAAATTACCATATTAAGTATAGAGGGGTTGGGAGGGAATTGGAAA-3'
Protein context (NP_114432.2, residues 485-505): ATFPILQGHF[Ser495Thr]AVLQKEEKIS